The following is an entry in ClinVar:

ClinVar aggregate classification (germline): Uncertain significance. Review status: criteria provided, multiple submitters, no conflicts (2 of 4 stars). 2 submissions from 2 submitters: Uncertain significance (2). Last evaluated 2024-09-09.

Conditions:
Familial cancer of breast. Also called: BREAST CANCER, FAMILIAL; Hereditary breast cancer; hereditary breast carcinoma. Identifiers: Orphanet 227535, MedGen C0346153, MONDO:0016419, OMIM 114480. Disease mechanism: loss of function.
Hereditary cancer-predisposing syndrome. Also called: Neoplastic Syndromes, Hereditary; Tumor predisposition; Hereditary neoplastic syndrome; Hereditary Cancer Syndrome. Identifiers: Orphanet 140162, MedGen C0027672, MeSH D009386, MONDO:0015356.

Allele frequency attached by ClinVar (database versions not stated): gnomAD exomes below 0.00001.
gnomAD v4.1: 2 of 1,613,988 alleles (0.00012%); highest among the groups gnomAD compares: Non-Finnish European, 0.00017%; no homozygotes.

Submissions (2):

Ambry Genetics
Classification: Uncertain significance for Hereditary cancer-predisposing syndrome. Last evaluated: 2024-09-09. Review status: criteria provided, single submitter. Criteria: Ambry Variant Classification Scheme 2023. Collection method: clinical testing. Allele origin: germline.
Comment: The p.K249N variant (also known as c.747G>C), located in coding exon 5 of the CHEK2 gene, results from a G to C substitution at nucleotide position 747. The lysine at codon 249 is replaced by asparagine, an amino acid with similar properties. This amino acid position is highly conserved in available vertebrate species. In addition, the in silico prediction for this alteration is inconclusive. Based on the available evidence, the clinical significance of this variant remains unclear.

Labcorp Genetics (formerly Invitae), Labcorp
Classification: Uncertain significance for Familial cancer of breast. Last evaluated: 2023-12-06. Review status: criteria provided, single submitter. Criteria: Invitae Variant Classification Sherloc (09022015). Collection method: clinical testing. Allele origin: germline.
Comment: This sequence change replaces lysine, which is basic and polar, with asparagine, which is neutral and polar, at codon 249 of the CHEK2 protein (p.Lys249Asn). This variant is present in population databases (rs749366698, gnomAD 0.0009%). This variant has not been reported in the literature in individuals affected with CHEK2-related conditions. ClinVar contains an entry for this variant (Variation ID: 827076). An algorithm developed to predict the effect of missense changes on protein structure and function (PolyPhen-2) suggests that this variant is likely to be disruptive. In summary, the available evidence is currently insufficient to determine the role of this variant in disease. Therefore, it has been classified as a Variant of Uncertain Significance.

NM_007194.4(CHEK2):c.747G>C (p.Lys249Asn)

Gene: CHEK2 (checkpoint kinase 2; minus strand). Cytogenetic location: 22q12.1.
Variant type: single nucleotide variant.
Coding change: c.747G>C on transcript NM_007194.4 (MANE Select); coding-DNA position 747, G replaced by C.
Protein change: p.Lys249Asn; replaces lysine 249 with asparagine.
Molecular consequence: missense variant.
Genome position (GRCh38, 1-based): chr22:28,711,954, C>G on the plus strand (G>C on the coding strand, the complement: CHEK2 is on the minus strand). VCF-style: chr22-28711954-C-G. GRCh37 (hg19) VCF-style: chr22-29107942-C-G.
Other names: c.876G>C, p.Lys292Asn (NM_001005735.3); c.84G>C, p.Lys28Asn (NM_001257387.3); c.546G>C, p.Lys182Asn (NM_001349956.3); c.747G>C, p.Lys249Asn (NM_145862.3); short protein forms K28N, K292N, K182N, K249N.
Identifiers: ClinVar variation 827076 (VCV000827076.12), dbSNP rs749366698, ClinGen allele CA10167883.